The following is an entry in ClinVar:

ClinVar aggregate classification (germline): Likely benign. Review status: criteria provided, multiple submitters, no conflicts (2 of 4 stars). 5 submissions from 5 submitters: Likely benign (4). 1 of the submissions does not count toward it. Last evaluated 2025-11-19.

Conditions:
Dyskeratosis congenita, autosomal dominant 2. Identifiers: MedGen C3151443, MONDO:0013521, OMIM 613989.
Idiopathic Pulmonary Fibrosis. Also called: Idiopathic fibrosing alveolitis, chronic form; idiopathic fibrosing alveolitis. Identifiers: Orphanet 2032, MedGen C1800706, MeSH D054990, MONDO:0800504.
TERT-related disorder. Also called: TERT-related condition; TERT-related disorders.
Dyskeratosis congenita. Identifiers: Orphanet 1775, MedGen C0265965, MONDO:0015780.

Allele frequency attached by ClinVar (database versions not stated): gnomAD exomes 0.00005; ExAC 0.00007; gnomAD 0.00009 and 0.00011; ESP Exome Variant Server 0.00016; TOPMed 0.00016; 1000 Genomes Project 0.00060; 1000 Genomes Project 30x 0.00078.
gnomAD v4.1: 32 of 1,611,438 alleles (0.002%); highest among the groups gnomAD compares: African/African-American, 0.02%; no homozygotes.

Submissions (5):

Labcorp Genetics (formerly Invitae), Labcorp
Classification: Likely benign for Dyskeratosis congenita, autosomal dominant 2; Idiopathic Pulmonary Fibrosis. Last evaluated: 2025-11-19. Review status: criteria provided, single submitter. Criteria: Invitae Variant Classification Sherloc (09022015). Collection method: clinical testing. Allele origin: germline.

ARUP Laboratories, Molecular Genetics and Genomics, ARUP Laboratories
Classification: Likely benign. Last evaluated: 2024-03-25. Review status: criteria provided, single submitter. Criteria: ARUP Molecular Germline Variant Investigation Process 2024. Collection method: clinical testing. Allele origin: germline.

Ambry Genetics
Classification: Likely benign for Dyskeratosis congenita. Last evaluated: 2022-03-24. Review status: criteria provided, single submitter. Criteria: Ambry Variant Classification Scheme 2023. Collection method: clinical testing. Allele origin: germline.

Genetic Services Laboratory, University of Chicago
Classification: Likely benign. Last evaluated: 2020-09-28. Review status: criteria provided, single submitter. Criteria: ACMG Guidelines, 2015. Collection method: clinical testing. Allele origin: germline. Affected: no.

PreventionGenetics, part of Exact Sciences
Classification: Likely benign for TERT-related condition. Last evaluated: 2023-11-03. Review status: no assertion criteria provided. Collection method: clinical testing. Allele origin: germline. Not counted in ClinVar's aggregate classification.
Comment: This variant is classified as likely benign based on ACMG/AMP sequence variant interpretation guidelines (Richards et al. 2015 PMID: 25741868, with internal and published modifications).

NM_198253.3(TERT):c.3159G>A (p.Gly1053=)

Gene: TERT (telomerase reverse transcriptase; minus strand). Cytogenetic location: 5p15.33.
Variant type: single nucleotide variant.
Coding change: c.3159G>A on transcript NM_198253.3 (MANE Select); coding-DNA position 3159, G replaced by A.
Protein change: p.Gly1053=; no amino-acid change (glycine 1053 retained).
Molecular consequence: synonymous variant. On other transcripts: non-coding transcript variant (2).
Genome position (GRCh38, 1-based): chr5:1,254,504, C>T on the plus strand (G>A on the coding strand, the complement: TERT is on the minus strand). VCF-style: chr5-1254504-C-T. GRCh37 (hg19) VCF-style: chr5-1254619-C-T.
Other names: c.2970G>A, p.Gly990= (NM_001193376.3).
Identifiers: ClinVar variation 701639 (VCV000701639.20), dbSNP rs200002330, ClinGen allele CA3184256.